The following is an entry in ClinVar:

ClinVar aggregate classification (germline): Uncertain significance. Review status: criteria provided, multiple submitters, no conflicts (2 of 4 stars). 2 submissions from 2 submitters: Uncertain significance (2). Last evaluated 2025-07-11.

Conditions:
Inborn genetic diseases. Identifiers: MedGen C0950123, MeSH D030342.

Allele frequency attached by ClinVar (database versions not stated): ExAC 0.00010; 1000 Genomes Project 0.00020; 1000 Genomes Project 30x 0.00031; gnomAD exomes 0.00031; gnomAD 0.00033; TOPMed 0.00040.

Submissions (2):

Labcorp Genetics (formerly Invitae), Labcorp
Classification: Uncertain significance. Last evaluated: 2025-07-11. Review status: criteria provided, single submitter. Criteria: Invitae Variant Classification Sherloc (09022015). Collection method: clinical testing. Allele origin: germline.
Comment: This sequence change replaces proline, which is neutral and non-polar, with serine, which is neutral and polar, at codon 311 of the IRX5 protein (p.Pro311Ser). This variant is present in population databases (rs530754556, gnomAD 0.04%). This variant has not been reported in the literature in individuals affected with IRX5-related conditions. ClinVar contains an entry for this variant (Variation ID: 2370663). Invitae Evidence Modeling of protein sequence and biophysical properties (such as structural, functional, and spatial information, amino acid conservation, physicochemical variation, residue mobility, and thermodynamic stability) indicates that this missense variant is not expected to disrupt IRX5 protein function with a negative predictive value of 80%. In summary, the available evidence is currently insufficient to determine the role of this variant in disease. Therefore, it has been classified as a Variant of Uncertain Significance.

Ambry Genetics
Classification: Uncertain significance for Inborn genetic diseases. Last evaluated: 2021-06-18. Review status: criteria provided, single submitter. Criteria: Ambry Variant Classification Scheme 2023. Collection method: clinical testing. Allele origin: germline.

NM_005853.6(IRX5):c.931C>T (p.Pro311Ser)

Gene: IRX5 (iroquois homeobox 5; plus strand). Cytogenetic location: 16q12.2.
Variant type: single nucleotide variant.
Coding change: c.931C>T on transcript NM_005853.6 (MANE Select); coding-DNA position 931, C replaced by T.
Protein change: p.Pro311Ser; replaces proline 311 with serine.
Molecular consequence: missense variant.
Genome position (GRCh38, 1-based): chr16:54,933,352, C>T. VCF-style: chr16-54933352-C-T. GRCh37 (hg19) VCF-style: chr16-54967264-C-T.
Other names: c.928C>T, p.Pro310Ser (NM_001252197.1); short protein forms P311S, P310S.
Identifiers: ClinVar variation 2370663 (VCV002370663.3), dbSNP rs530754556, ClinGen allele CA8059304.